The following is an entry in ClinVar:

NM_001004334.4(GPR179):c.508G>C (p.Gly170Arg)

Gene: GPR179 (G protein-coupled receptor 179; minus strand). Cytogenetic location: 17q12.
Variant type: single nucleotide variant.
Coding change: c.508G>C on transcript NM_001004334.4 (MANE Select); coding-DNA position 508, G replaced by C.
Protein change: p.Gly170Arg; replaces glycine 170 with arginine.
Molecular consequence: missense variant.
Genome position (GRCh38, 1-based): chr17:38,343,282, C>G on the plus strand (G>C on the coding strand, the complement: GPR179 is on the minus strand). VCF-style: chr17-38343282-C-G. GRCh37 (hg19) VCF-style: chr17-36499165-C-G.
Other names: short protein forms G170R.
Identifiers: ClinVar variation 889633 (VCV000889633.13), dbSNP rs77937007, ClinGen allele CA290111579.

ClinVar aggregate classification (germline): Benign. Review status: criteria provided, multiple submitters, no conflicts (2 of 4 stars). 3 submissions from 3 submitters: Benign (3). Last evaluated 2026-01-21.

Conditions:
Congenital stationary night blindness 1E. Also called: Night blindness, congenital stationary (complete), 1E, autosomal recessive. Identifiers: Orphanet 215, MedGen C3281215, MONDO:0013807, OMIM 614565.

Allele frequency attached by ClinVar (database versions not stated): gnomAD exomes 0.00052 and 0.00151; ExAC 0.00178; 1000 Genomes Project 0.00519; ESP Exome Variant Server 0.00520; gnomAD 0.00572 and 0.00605; 1000 Genomes Project 30x 0.00609; TOPMed 0.00633.
gnomAD v4.1: 1,679 of 1,614,154 alleles (0.1%); highest among the groups gnomAD compares: African/African-American, 1.9%; 21 homozygotes.

Submissions (3):

Labcorp Genetics (formerly Invitae), Labcorp
Classification: Benign. Last evaluated: 2026-01-21. Review status: criteria provided, single submitter. Criteria: Invitae Variant Classification Sherloc (09022015). Collection method: clinical testing. Allele origin: germline.

Illumina Laboratory Services, Illumina
Classification: Benign for Congenital stationary night blindness 1E. Last evaluated: 2018-01-13. Review status: criteria provided, single submitter. Criteria: ICSL Variant Classification Criteria 13 December 2019. Collection method: clinical testing. Allele origin: germline.
Comment: This variant was observed in the ICSL laboratory as part of a predisposition screen in an ostensibly healthy population. It had not been previously curated by ICSL or reported in the Human Gene Mutation Database (HGMD: prior to June 1st, 2018), and was therefore a candidate for classification through an automated scoring system. Utilizing variant allele frequency, disease prevalence and penetrance estimates, and inheritance mode, an automated score was calculated to assess if this variant is too frequent to cause the disease. Based on the score and internal cut-off values, a variant classified as benign is not then subjected to further curation. The score for this variant resulted in a classification of benign for this disease.

Breakthrough Genomics
Classification: Benign. Review status: criteria provided, single submitter. Criteria: ACMG Guidelines, 2015. Collection method: not provided. Allele origin: germline. Inheritance: Autosomal recessive inheritance. Affected: yes.